The following is an entry in ClinVar:

NM_000059.4(BRCA2):c.10038G>A (p.Leu3346=)

Gene: BRCA2 (BRCA2 DNA repair associated; plus strand). Cytogenetic location: 13q13.1.
Variant type: single nucleotide variant.
Coding change: c.10038G>A on transcript NM_000059.4 (MANE Select); coding-DNA position 10038, G replaced by A.
Protein change: p.Leu3346=; no amino-acid change (leucine 3346 retained).
Molecular consequence: synonymous variant.
Genome position (GRCh38, 1-based): chr13:32,398,551, G>A. VCF-style: chr13-32398551-G-A. GRCh37 (hg19) VCF-style: chr13-32972688-G-A.
Identifiers: ClinVar variation 462215 (VCV000462215.15), dbSNP rs1555290026, ClinGen allele CA483440366.

ClinVar aggregate classification (germline): Likely benign. Review status: criteria provided, multiple submitters, no conflicts (2 of 4 stars). 3 submissions from 3 submitters: Likely benign (3). Last evaluated 2024-04-10.

Conditions:
Hereditary cancer-predisposing syndrome. Also called: Neoplastic Syndromes, Hereditary; Hereditary Cancer Syndrome; Hereditary neoplastic syndrome; Tumor predisposition. Identifiers: Orphanet 140162, MedGen C0027672, MeSH D009386, MONDO:0015356.
Hereditary breast ovarian cancer syndrome. Also called: Hereditary breast and ovarian cancer syndrome (HBOC); Hereditary breast and ovarian cancer syndrome; Breast and ovarian cancer; Hereditary breast and/or ovarian cancer syndrome; Hereditary breast and ovarian cancer; BRCA1- and BRCA2-Associated Hereditary Breast and Ovarian Cancer. Identifiers: Orphanet 145, MedGen C0677776, MeSH D061325, MONDO:0003582. Disease mechanism: loss of function.

Submissions (3):

Labcorp Genetics (formerly Invitae), Labcorp
Classification: Likely benign for Hereditary breast ovarian cancer syndrome. Last evaluated: 2024-04-10. Review status: criteria provided, single submitter. Criteria: Invitae Variant Classification Sherloc (09022015). Collection method: clinical testing. Allele origin: germline.

Ambry Genetics
Classification: Likely benign for Hereditary cancer-predisposing syndrome. Last evaluated: 2019-04-17. Review status: criteria provided, single submitter. Criteria: Ambry Variant Classification Scheme 2023. Collection method: clinical testing. Allele origin: germline.

GeneDx
Classification: Likely benign. Last evaluated: 2017-08-24. Review status: criteria provided, single submitter. Criteria: GeneDx Variant Classification (06012015). Collection method: clinical testing. Allele origin: germline. Affected: yes.
Comment: This variant is considered likely benign or benign based on one or more of the following criteria: it is a conservative change, it occurs at a poorly conserved position in the protein, it is predicted to be benign by multiple in silico algorithms, and/or has population frequency not consistent with disease.